The following is an entry in ClinVar:

NM_001330360.2(POLA1):c.1292A>G (p.Tyr431Cys)

Gene: POLA1 (DNA polymerase alpha 1, catalytic subunit; plus strand). Cytogenetic location: Xp22.11.
Variant type: single nucleotide variant.
Coding change: c.1292A>G on transcript NM_001330360.2 (MANE Select); coding-DNA position 1292, A replaced by G.
Protein change: p.Tyr431Cys; replaces tyrosine 431 with cysteine.
Molecular consequence: missense variant. On other transcripts: non-coding transcript variant (2).
Genome position (GRCh38, 1-based): chrX:24,724,426, A>G. VCF-style: chrX-24724426-A-G. GRCh37 (hg19) VCF-style: chrX-24742543-A-G.
Other names: NC_000023.10:g.24742543A>G; c.1292A>G, p.Tyr431Cys (NM_001378303.1, NM_001440806.1); c.1274A>G, p.Tyr425Cys (NM_016937.4); short protein forms Y431C, Y425C.
Identifiers: ClinVar variation 4485920 (VCV004485920.2).

ClinVar aggregate classification (germline): Uncertain significance (1 of 4 stars; one submission).

gnomAD v4.1: 1 of 1,018,170 alleles (0.000098%); highest among the groups gnomAD compares: Non-Finnish European, 0.00014%; no homozygotes.

Submissions (2):

Women's Health and Genetics/Laboratory Corporation of America, LabCorp
Classification: Uncertain significance. Last evaluated: 2026-06-12. Review status: criteria provided, single submitter. Criteria: LabCorp Variant Classification Summary - May 2015. Collection method: clinical testing. Allele origin: germline.
Comment: Variant summary: POLA1 c.1274A>G (p.Tyr425Cys) results in a non-conservative amino acid change in the encoded protein sequence. Algorithms developed to predict the effect of missense changes on protein structure and function are either unavailable or do not agree on the potential impact of this missense change. The variant was absent in 163693 control chromosomes. The available data on variant occurrences in the general population are insufficient to allow any conclusion about variant significance. To our knowledge, no occurrence of c.1274A>G in individuals affected with POLA1-related conditions and no experimental evidence demonstrating its impact on protein function have been reported. ClinVar contains an entry for this variant (Variation ID: 4485920). Based on the evidence outlined above, the variant was classified as uncertain significance.

Dr. Peter K. Rogan Lab, Western University
No classification provided (evidence only). Condition: Gastric cancer. Review status: no classification provided. Collection method: in vitro. Allele origin: not applicable. Functional consequence: retained intron. Not counted in ClinVar's aggregate classification.